The following is an entry in ClinVar:

NM_000235.4(LIPA):c.468T>C (p.Ile156=)

Gene: LIPA (lipase A, lysosomal acid type; minus strand). Cytogenetic location: 10q23.31.
Variant type: single nucleotide variant.
Coding change: c.468T>C on transcript NM_000235.4 (MANE Select); coding-DNA position 468, T replaced by C.
Protein change: p.Ile156=; no amino-acid change (isoleucine 156 retained).
Molecular consequence: synonymous variant.
Genome position (GRCh38, 1-based): chr10:89,226,965, A>G on the plus strand (T>C on the coding strand, the complement: LIPA is on the minus strand). VCF-style: chr10-89226965-A-G. GRCh37 (hg19) VCF-style: chr10-90986722-A-G.
Other names: c.468T>C, p.Ile156= (NM_001127605.3); c.120T>C, p.Ile40= (NM_001288979.2).
Identifiers: ClinVar variation 797831 (VCV000797831.12), dbSNP rs1589556945, ClinGen allele CA470738008.

ClinVar aggregate classification (germline): Likely benign. Review status: criteria provided, multiple submitters, no conflicts (2 of 4 stars). 2 submissions from 2 submitters: Likely benign (2). Last evaluated 2024-12-20.

Conditions:
LIPA-related disorder. Also called: LIPA-related condition; LIPA-related disorders.
Wolman disease (WOLD). Also called: Wolman disease with hypolipoproteinemia and acanthocytosis; LYSOSOMAL ACID LIPASE DEFICIENCY, ACUTE INFANTILE; LYSOSOMAL ACID LIPASE DEFICIENCY, COMPLETE; LIPA DEFICIENCY, COMPLETE; LAL DEFICIENCY, COMPLETE; CHOLESTEROL ESTER HYDROLASE DEFICIENCY, COMPLETE. Identifiers: Orphanet 75233, MedGen C0043208, MONDO:0019148, OMIM 620151.

Allele frequency attached by ClinVar (database versions not stated): TOPMed 0.00002.

Submissions (2):

PreventionGenetics, part of Exact Sciences
Classification: Likely benign for LIPA-related condition. Last evaluated: 2024-12-20. Review status: criteria provided, single submitter. Criteria: ACMG Guidelines, 2015. Collection method: clinical testing. Allele origin: germline.
Comment: This variant is classified as likely benign based on ACMG/AMP sequence variant interpretation guidelines (Richards et al. 2015 PMID: 25741868, with internal and published modifications).

Labcorp Genetics (formerly Invitae), Labcorp
Classification: Likely benign for Wolman disease. Last evaluated: 2024-09-06. Review status: criteria provided, single submitter. Criteria: Invitae Variant Classification Sherloc (09022015). Collection method: clinical testing. Allele origin: germline.